The following is an entry in ClinVar:

NM_004415.4(DSP):c.274-309A>G

Gene: DSP (desmoplakin; plus strand). Cytogenetic location: 6p24.3.
Variant type: single nucleotide variant.
Coding change: c.274-309A>G on transcript NM_004415.4 (MANE Select); 309 bases into the intron before coding-DNA position 274, A replaced by G.
Molecular consequence: intron variant.
Genome position (GRCh38, 1-based): chr6:7,557,807, A>G. VCF-style: chr6-7557807-A-G. GRCh37 (hg19) VCF-style: chr6-7558040-A-G.
Other names: c.274-309A>G (NM_001319034.2, NM_001008844.3).
Identifiers: ClinVar variation 671433 (VCV000671433.1), dbSNP rs79392064, ClinGen allele CA133949522.

ClinVar aggregate classification (germline): Benign (1 of 4 stars; one submission).

Allele frequency attached by ClinVar (database versions not stated): gnomAD 0.02368 and 0.02503; TOPMed 0.02654; 1000 Genomes Project 0.02756; 1000 Genomes Project 30x 0.03029.
gnomAD v4.1: 3,569 of 152,328 alleles (2.3%); highest among the groups gnomAD compares: African/African-American, 8.1%; 134 homozygotes.

Submission:

GeneDx
Classification: Benign. Last evaluated: 2018-06-14. Review status: criteria provided, single submitter. Criteria: GeneDx Variant Classification (06012015). Collection method: clinical testing. Allele origin: germline. Affected: yes.
Comment: This variant is considered likely benign or benign based on one or more of the following criteria: it is a conservative change, it occurs at a poorly conserved position in the protein, it is predicted to be benign by multiple in silico algorithms, and/or has population frequency not consistent with disease.